The following is an entry in ClinVar:

NM_001458.5(FLNC):c.147C>T (p.His49=)

Gene: FLNC (filamin C; plus strand). Cytogenetic location: 7q32.1.
Variant type: single nucleotide variant.
Coding change: c.147C>T on transcript NM_001458.5 (MANE Select); coding-DNA position 147, C replaced by T.
Protein change: p.His49=; no amino-acid change (histidine 49 retained).
Molecular consequence: synonymous variant.
Genome position (GRCh38, 1-based): chr7:128,830,784, C>T. VCF-style: chr7-128830784-C-T. GRCh37 (hg19) VCF-style: chr7-128470838-C-T.
Other names: p.His49=; c.147C>T, p.His49= (NM_001127487.2).
Identifiers: ClinVar variation 129081 (VCV000129081.29), dbSNP rs3734972, ClinGen allele CA152835.

ClinVar aggregate classification (germline): Benign. Review status: criteria provided, multiple submitters, no conflicts (2 of 4 stars). 14 submissions from 14 submitters: Benign (12). 2 of the submissions do not count toward it. Last evaluated 2026-02-04.

Conditions:
Myofibrillar myopathy 5. Also called: Filaminopathy (type); FILAMINOPATHY, AUTOSOMAL DOMINANT. Identifiers: Orphanet 171445, MedGen C1836050, MONDO:0012289, OMIM 609524.
Distal myopathy with posterior leg and anterior hand involvement. Also called: WILLIAMS DISTAL MYOPATHY. Identifiers: Orphanet 63273, MedGen C3279722, MONDO:0013550, OMIM 614065.
Hypertrophic cardiomyopathy 26. Also called: Cardiomyopathy, familial hypertrophic, 26. Identifiers: Orphanet 75249, MedGen C4310749, MONDO:0014883, OMIM 617047.
Cardiovascular phenotype. Identifiers: MedGen CN230736.

Allele frequency attached by ClinVar (database versions not stated): gnomAD exomes 0.08835 and 0.09401; gnomAD 0.09267 and 0.09386; ESP Exome Variant Server 0.09374; ExAC 0.09446; TOPMed 0.09486; 1000 Genomes Project 30x 0.10790; 1000 Genomes Project 0.11002.

Submissions (14):

Labcorp Genetics (formerly Invitae), Labcorp
Classification: Benign for Distal myopathy with posterior leg and anterior hand involvement; Myofibrillar myopathy 5; Hypertrophic cardiomyopathy 26. Last evaluated: 2026-02-04. Review status: criteria provided, single submitter. Criteria: Invitae Variant Classification Sherloc (09022015). Collection method: clinical testing. Allele origin: germline.

Molecular Diagnostic Laboratory for Inherited Cardiovascular Disease, Montreal Heart Institute
Classification: Benign. Last evaluated: 2025-04-09. Review status: criteria provided, single submitter. Criteria: ACMG Guidelines, 2015. Collection method: clinical testing. Allele origin: germline. Affected: no.

Blueprint Genetics
Classification: Benign. Last evaluated: 2024-11-27. Review status: criteria provided, single submitter. Criteria: ACMG Guidelines, 2015. Collection method: clinical testing. Allele origin: germline.

Women's Health and Genetics/Laboratory Corporation of America, LabCorp
Classification: Benign. Last evaluated: 2023-04-04. Review status: criteria provided, single submitter. Criteria: LabCorp Variant Classification Summary - May 2015. Collection method: clinical testing. Allele origin: germline.

Mayo Clinic Laboratories, Mayo Clinic
Classification: Benign. Last evaluated: 2022-04-26. Review status: criteria provided, single submitter. Criteria: ACMG Guidelines, 2015. Collection method: clinical testing. Allele origin: germline. Observed: 297 variant alleles.

Ambry Genetics
Classification: Benign for Cardiovascular phenotype. Last evaluated: 2018-12-27. Review status: criteria provided, single submitter. Criteria: Ambry Variant Classification Scheme 2023. Collection method: clinical testing. Allele origin: germline.

Athena Diagnostics
Classification: Benign. Last evaluated: 2017-09-12. Review status: criteria provided, single submitter. Criteria: Athena Diagnostics Criteria. Collection method: clinical testing. Allele origin: germline.

GeneDx
Classification: Benign. Last evaluated: 2016-02-08. Review status: criteria provided, single submitter. Criteria: GeneDx Variant Classification (06012015). Collection method: clinical testing. Allele origin: germline. Affected: yes.
Comment: This variant is considered likely benign or benign based on one or more of the following criteria: it is a conservative change, it occurs at a poorly conserved position in the protein, it is predicted to be benign by multiple in silico algorithms, and/or has population frequency not consistent with disease.

PreventionGenetics, part of Exact Sciences
Classification: Benign. Last evaluated: 2016-01-08. Review status: criteria provided, single submitter. Criteria: ACMG Guidelines, 2015. Collection method: clinical testing. Allele origin: germline.

Laboratory for Molecular Medicine, Mass General Brigham Personalized Medicine
Classification: Benign. Last evaluated: 2015-01-13. Review status: criteria provided, single submitter. Criteria: LMM Criteria. Collection method: clinical testing. Allele origin: germline. Observed: 4 variant alleles.
Comment: p.His49His in exon 1 of FLNC: This variant is not expected to have clinical sign ificance because it does not alter an amino acid residue and is not located with in the splice consensus sequence. It has been identified in 11.1% (487/4404) of African American chromosomes from a broad population by the NHLBI Exome Sequenci ng Project (dbSNP rs3734972).

Genetic Services Laboratory, University of Chicago
Classification: Benign for AllHighlyPenetrant. Last evaluated: 2013-08-15. Review status: criteria provided, single submitter. Criteria: ACMG Guidelines, 2007. Collection method: clinical testing. Allele origin: germline. Inheritance: Autosomal dominant inheritance.

Breakthrough Genomics
Classification: Benign. Review status: criteria provided, single submitter. Criteria: ACMG Guidelines, 2015. Collection method: not provided. Allele origin: germline. Inheritance: Autosomal dominant inheritance. Affected: yes.

Clinical Genetics, Academic Medical Center
Classification: Benign. Review status: no assertion criteria provided. Collection method: clinical testing. Allele origin: germline. Affected: yes. Study: VKGL Data-share Consensus. Not counted in ClinVar's aggregate classification.

Joint Genome Diagnostic Labs from Nijmegen and Maastricht, Radboudumc and MUMC+
Classification: Benign. Review status: no assertion criteria provided. Collection method: clinical testing. Allele origin: germline. Affected: yes. Study: VKGL Data-share Consensus. Not counted in ClinVar's aggregate classification.